The following is an entry in ClinVar:

ClinVar aggregate classification (germline): Pathogenic (1 of 4 stars; one submission).

Conditions:
Fraser syndrome 3. Identifiers: MedGen C4540040, MONDO:0054739, OMIM 617667.

Submission:

Myriad Genetics, Inc.
Classification: Pathogenic for Fraser syndrome 3. Last evaluated: 2024-12-21. Review status: criteria provided, single submitter. Criteria: Myriad Autosomal Dominant, Autosomal Recessive and X-Linked Classification Criteria (2023). Collection method: clinical testing. Allele origin: unknown.
Comment: NM_021150.3(GRIP1):c.1459G>T(E487*) is expected to be pathogenic in the context of Fraser syndrome, GRIP1-related. This variant is predicted to lead to an abnormal or absent protein product due to the creation of a premature termination codon in GRIP1, a gene where loss-of-function variants are known to be pathogenic. Please note: this variant was assessed in the context of healthy population screening.

NM_001366722.1(GRIP1):c.1615G>T (p.Glu539Ter)

Gene: GRIP1 (glutamate receptor interacting protein 1; minus strand). Cytogenetic location: 12q14.3.
Variant type: single nucleotide variant.
Coding change: c.1615G>T on transcript NM_001366722.1 (MANE Select); coding-DNA position 1615, G replaced by T.
Protein change: p.Glu539Ter; replaces glutamic acid 539 with a stop codon.
Molecular consequence: nonsense.
Genome position (GRCh38, 1-based): chr12:66,444,656, C>A on the plus strand (G>T on the coding strand, the complement: GRIP1 is on the minus strand). VCF-style: chr12-66444656-C-A. GRCh37 (hg19) VCF-style: chr12-66838436-C-A.
Other names: c.1459G>T, p.Glu487Ter (NM_001178074.2, NM_001379351.1, NM_021150.4); c.1534G>T, p.Glu512Ter (NM_001366723.1, NM_001379348.1); c.1537G>T, p.Glu513Ter (NM_001366724.1, NM_001379347.1); c.1693G>T, p.Glu565Ter (NM_001379345.1); c.1615G>T, p.Glu539Ter (NM_001379346.1, NM_001439323.1); c.1462G>T, p.Glu488Ter (NM_001379349.1); c.1618G>T, p.Glu540Ter (NM_001439322.1); short protein forms E487*, E488*, E512*, E513*, E539*, E540*, E565*.
Identifiers: ClinVar variation 5013876 (VCV005013876.1).